The following is an entry in ClinVar:

NM_000400.4(ERCC2):c.2141_2148del (p.Val714fs)

Gene: ERCC2 (ERCC excision repair 2, TFIIH core complex helicase subunit; minus strand). Cytogenetic location: 19q13.32.
Variant type: Deletion.
Coding change: c.2141_2148del on transcript NM_000400.4 (MANE Select); coding-DNA positions 2141 to 2148, 8 bases deleted (TCCAGGTG; older notation c.2141_2148delTCCAGGTG).
Protein change: p.Val714fs; shifts the reading frame from valine 714.
Molecular consequence: frameshift variant.
Genome position (GRCh38, 1-based): chr19:45,352,251-45,352,258, CACCTGGA deleted on the plus strand (TCCAGGTG on the coding strand, the reverse complement: ERCC2 is on the minus strand); deleting any 8 consecutive bases within chr19:45,352,251-45,352,262 gives the same sequence; the c. name uses the placement nearest the transcript's 3' end. VCF-style (leftmost placement, unchanged base first): chr19-45352250-CCACCTGGA-C. GRCh37 (hg19) VCF-style: chr19-45855508-CCACCTGGA-C.
Other names: c.2141_2148delTCCAGGTG (NM_000400.3); short protein forms V714fs.
Identifiers: ClinVar variation 1705082 (VCV001705082.5), dbSNP rs1172840777, ClinGen allele CA633479908.

ClinVar aggregate classification (germline): Pathogenic/Likely pathogenic. Review status: criteria provided, multiple submitters, no conflicts (2 of 4 stars). 3 submissions from 3 submitters: Pathogenic (1); Likely pathogenic (2). Last evaluated 2024-06-06.

Conditions:
Xeroderma pigmentosum (XP). Identifiers: Orphanet 910, MedGen C0043346, MONDO:0019600.
Xeroderma pigmentosum, group D (XPD). Also called: XERODERMA PIGMENTOSUM, COMPLEMENTATION GROUP D; ERCC2-Related Xeroderma Pigmentosum; XERODERMA PIGMENTOSUM IV; XP, GROUP D; XP, GROUP H. Identifiers: MedGen C0268138, MONDO:0010212, OMIM 278730.
Trichothiodystrophy 1, photosensitive (TTD1). Also called: TAY SYNDROME; TRICHOTHIODYSTROPHY WITH CONGENITAL ICHTHYOSIS; PIBIDS SYNDROME. Identifiers: Orphanet 33364, MedGen C1866504, MONDO:0011125, OMIM 601675.
Cerebrooculofacioskeletal syndrome 2 (COFS2). Identifiers: MedGen C1853102, MONDO:0012553, OMIM 610756.

Submissions (3):

Fulgent Genetics
Classification: Likely pathogenic for Xeroderma pigmentosum, group D; Trichothiodystrophy 1, photosensitive; Cerebrooculofacioskeletal syndrome 2. Last evaluated: 2024-06-06. Review status: criteria provided, single submitter. Criteria: ACMG Guidelines, 2015. Collection method: clinical testing. Allele origin: germline.

Labcorp Genetics (formerly Invitae), Labcorp
Classification: Pathogenic. Last evaluated: 2024-04-15. Review status: criteria provided, single submitter. Criteria: Invitae Variant Classification Sherloc (09022015). Collection method: clinical testing. Allele origin: germline.
Comment: This sequence change results in a frameshift in the ERCC2 gene (p.Val714Glyfs*57). While this is not anticipated to result in nonsense mediated decay, it is expected to disrupt the last 47 amino acid(s) of the ERCC2 protein and extend the protein by 9 additional amino acid residues. This variant is present in population databases (no rsID available, gnomAD 0.0009%). This variant has not been reported in the literature in individuals affected with ERCC2-related conditions. ClinVar contains an entry for this variant (Variation ID: 1705082). This variant disrupts a region of the ERCC2 protein in which other variant(s) (p.Arg722Trp) have been determined to be pathogenic (PMID: 31282071, 31803976). This suggests that this is a clinically significant region of the protein, and that variants that disrupt it are likely to be disease-causing. For these reasons, this variant has been classified as Pathogenic.

Women's Health and Genetics/Laboratory Corporation of America, LabCorp
Classification: Likely pathogenic for Xeroderma pigmentosum. Last evaluated: 2022-08-12. Review status: criteria provided, single submitter. Criteria: LabCorp Variant Classification Summary - May 2015. Collection method: clinical testing. Allele origin: germline.
Comment: Variant summary: ERCC2 c.2141_2148delTCCAGGTG (p.Val714GlyfsX57) causes a frameshift which results in an extension of the protein. While this variant is not anticipated to result in nonsense mediated decay, it is predicted to disrupt the last 47 amino acids of the protein and extend the protein by approximately 11 additional amino acid residues. Other protein-extending variants have been reported as pathogenic in ClinVar (variation ID: 1028729). The variant allele was found at a frequency of 4e-06 in 251234 control chromosomes. To our knowledge, no occurrence of c.2141_2148delTCCAGGTG in individuals affected with Xeroderma Pigmentosum and no experimental evidence demonstrating its impact on protein function have been reported. Other variants within the disrupted region of the protein have been classified internally as pathogenic (example: p.Arg722Trp), suggesting this region of the protein is clinically significant. No clinical diagnostic laboratories have submitted clinical-significance assessments for this variant to ClinVar after 2014. Based on the evidence outlined above, the variant was classified as likely pathogenic.

Literature cited by the submitters: PubMed 31282071 (cited by Labcorp Genetics (formerly Invitae), Labcorp); PubMed 31803976 (cited by Labcorp Genetics (formerly Invitae), Labcorp).